The following is an entry in ClinVar:

ClinVar aggregate classification (germline): Pathogenic (1 of 4 stars; one submission).

Conditions:
HYPERHOMOCYSTEINEMIA, THROMBOTIC, CBS-RELATED. Identifiers: MedGen C3150344, OMIM 236200.

Submission:

Labcorp Genetics (formerly Invitae), Labcorp
Classification: Pathogenic for HYPERHOMOCYSTEINEMIA, THROMBOTIC, CBS-RELATED. Last evaluated: 2022-10-03. Review status: criteria provided, single submitter. Criteria: Invitae Variant Classification Sherloc (09022015). Collection method: clinical testing. Allele origin: germline.
Comment: This variant is not present in population databases (gnomAD no frequency). For these reasons, this variant has been classified as Pathogenic. This variant has not been reported in the literature in individuals affected with CBS-related conditions. This sequence change creates a premature translational stop signal (p.Ser27Glufs*10) in the CBS gene. It is expected to result in an absent or disrupted protein product. Loss-of-function variants in CBS are known to be pathogenic (PMID: 10338090, 12124992).

Literature cited by the submitters: PubMed 10338090; PubMed 12124992.

NM_000071.3(CBS):c.78dup (p.Ser27fs)

Gene: CBS (cystathionine beta-synthase; minus strand). Cytogenetic location: 21q22.3.
Variant type: Duplication.
Coding change: c.78dup on transcript NM_000071.3 (MANE Select); coding-DNA position 78, one base duplicated (G; older notation c.78dupG).
Protein change: p.Ser27fs; shifts the reading frame from serine 27.
Molecular consequence: frameshift variant.
Genome position (GRCh38, 1-based): chr21:43,072,116, C duplicated on the plus strand (G on the coding strand, the reverse complement: CBS is on the minus strand); the first of 4 consecutive C bases (chr21:43,072,116-43,072,119); duplicating any one gives the same sequence. VCF-style (leftmost placement, unchanged base first): chr21-43072115-T-TC. GRCh37 (hg19) VCF-style: chr21-44492225-T-TC.
Other names: c.78dup, p.Ser27fs (NM_001178008.3, NM_001178009.3, NM_001320298.2); short protein forms S27fs.
Identifiers: ClinVar variation 2033813 (VCV002033813.4), dbSNP rs2517483668, ClinGen allele CA2580098760.